The following is an entry in ClinVar:

ClinVar aggregate classification (germline): Likely benign (1 of 4 stars; one submission).

Allele frequency attached by ClinVar (database versions not stated): ExAC 0.00008; 1000 Genomes Project 0.00040.

Submission:

CeGaT Center for Human Genetics Tuebingen
Classification: Likely benign. Last evaluated: 2025-09-01. Review status: criteria provided, single submitter. Criteria: CeGaT Center For Human Genetics Tuebingen Variant Classification Criteria Version 2. Collection method: clinical testing. Allele origin: germline. Affected: yes. Observed: 2 variant alleles.
Comment: FMN2: BP4, BP7

NM_020066.5(FMN2):c.3378A>G (p.Gly1126=)

Gene: FMN2 (formin 2; plus strand). Cytogenetic location: 1q43.
Variant type: single nucleotide variant.
Coding change: c.3378A>G on transcript NM_020066.5 (MANE Select); coding-DNA position 3378, A replaced by G.
Protein change: p.Gly1126=; no amino-acid change (glycine 1126 retained).
Molecular consequence: synonymous variant. On other transcripts: intron variant (1).
Genome position (GRCh38, 1-based): chr1:240,208,190, A>G. VCF-style: chr1-240208190-A-G. GRCh37 (hg19) VCF-style: chr1-240371490-A-G.
Other names: c.3390A>G, p.Gly1130= (NM_001305424.2); c.1986+19928A>G (NM_001348094.2).
Identifiers: ClinVar variation 2640188 (VCV002640188.24), dbSNP rs572899567, ClinGen allele CA1477139.